The following is an entry in ClinVar:

ClinVar aggregate classification (germline): Likely benign. Review status: criteria provided, multiple submitters, no conflicts (2 of 4 stars). 2 submissions from 2 submitters: Likely benign (2). Last evaluated 2024-11-28.

Conditions:
Progressive myoclonic epilepsy. Also called: Myoclonus epilepsy; Familial progressive myoclonic epilepsy; Progressive myoclonus epilepsy; Myoclonic Epilepsies, Progressive. Identifiers: Orphanet 308, Orphanet 98261, MedGen C0751778, MONDO:0020074.

Allele frequency attached by ClinVar (database versions not stated): ExAC 0.00001; gnomAD exomes 0.00001.
gnomAD v4.1: 15 of 1,574,356 alleles (0.00095%); highest among the groups gnomAD compares: Non-Finnish European, 0.0012%; no homozygotes.

Submissions (2):

Labcorp Genetics (formerly Invitae), Labcorp
Classification: Likely benign for Progressive myoclonic epilepsy. Last evaluated: 2024-11-28. Review status: criteria provided, single submitter. Criteria: Invitae Variant Classification Sherloc (09022015). Collection method: clinical testing. Allele origin: germline.

GeneDx
Classification: Likely benign. Last evaluated: 2016-10-26. Review status: criteria provided, single submitter. Criteria: GeneDx Variant Classification (06012015). Collection method: clinical testing. Allele origin: germline. Affected: yes.
Comment: This variant is considered likely benign or benign based on one or more of the following criteria: it is a conservative change, it occurs at a poorly conserved position in the protein, it is predicted to be benign by multiple in silico algorithms, and/or has population frequency not consistent with disease.

NM_005506.4(SCARB2):c.117+14G>A

Gene: SCARB2 (scavenger receptor class B member 2; minus strand). Cytogenetic location: 4q21.1.
Variant type: single nucleotide variant.
Coding change: c.117+14G>A on transcript NM_005506.4 (MANE Select); 14 bases into the intron after coding-DNA position 117, G replaced by A.
Molecular consequence: intron variant.
Genome position (GRCh38, 1-based): chr4:76,213,413, C>T on the plus strand (G>A on the coding strand, the complement: SCARB2 is on the minus strand). VCF-style: chr4-76213413-C-T. GRCh37 (hg19) VCF-style: chr4-77134566-C-T.
Other names: c.117+14G>A (NM_001204255.2).
Identifiers: ClinVar variation 390172 (VCV000390172.5), dbSNP rs772998739, ClinGen allele CA2970424.
Genomic context (GRCh38, chr4:76,213,413, plus strand): 5'-ACAAGATGTAGCAGCAGGGATGGGAGGGTGAGCTGGACGACTCCACAACACACACACAGC[C>T]CGCCCCGCCTCACCTTCTCGATACTCTGGTCTACAGCCTTCTGGAAGACCCGGGCCACCA-3'